The following is an entry in ClinVar:

ClinVar aggregate classification (germline): Uncertain significance (1 of 4 stars; one submission).

Conditions:
Developmental and epileptic encephalopathy 94 (DEE94). Also called: Epileptic encephalopathy, childhood-onset; CHD2-Related Neurodevelopmental Disorders. Identifiers: Orphanet 1942, Orphanet 2382, MedGen C3809278, MONDO:0014150, OMIM 615369.

gnomAD v4.1: 1 of 1,614,226 alleles (0.000062%); highest among the groups gnomAD compares: Non-Finnish European, 0.000085%; no homozygotes.

Submission:

Labcorp Genetics (formerly Invitae), Labcorp
Classification: Uncertain significance for Developmental and epileptic encephalopathy 94. Last evaluated: 2022-06-19. Review status: criteria provided, single submitter. Criteria: Invitae Variant Classification Sherloc (09022015). Collection method: clinical testing. Allele origin: germline.
Comment: This sequence change replaces histidine, which is basic and polar, with leucine, which is neutral and non-polar, at codon 1712 of the CHD2 protein (p.His1712Leu). In summary, the available evidence is currently insufficient to determine the role of this variant in disease. Therefore, it has been classified as a Variant of Uncertain Significance. Advanced modeling of protein sequence and biophysical properties (such as structural, functional, and spatial information, amino acid conservation, physicochemical variation, residue mobility, and thermodynamic stability) performed at Invitae indicates that this missense variant is not expected to disrupt CHD2 protein function. This variant has not been reported in the literature in individuals affected with CHD2-related conditions. This variant is not present in population databases (gnomAD no frequency).

NM_001271.4(CHD2):c.5135A>T (p.His1712Leu)

Gene: CHD2 (chromodomain helicase DNA binding protein 2; plus strand). Cytogenetic location: 15q26.1.
Variant type: single nucleotide variant.
Coding change: c.5135A>T on transcript NM_001271.4 (MANE Select); coding-DNA position 5135, A replaced by T.
Protein change: p.His1712Leu; replaces histidine 1712 with leucine.
Molecular consequence: missense variant.
Genome position (GRCh38, 1-based): chr15:93,020,240, A>T. VCF-style: chr15-93020240-A-T. GRCh37 (hg19) VCF-style: chr15-93563470-A-T.
Other names: short protein forms H1712L.
Identifiers: ClinVar variation 2008320 (VCV002008320.4), dbSNP rs2054516818, ClinGen allele CA393907974.